The following is an entry in ClinVar:

NM_001374828.1(ARID1B):c.4402C>T (p.Gln1468Ter)

Gene: ARID1B (AT-rich interaction domain 1B; plus strand). Cytogenetic location: 6q25.3.
Variant type: single nucleotide variant.
Coding change: c.4402C>T on transcript NM_001374828.1 (MANE Select); coding-DNA position 4402, C replaced by T.
Protein change: p.Gln1468Ter; replaces glutamine 1468 with a stop codon.
Molecular consequence: nonsense.
Genome position (GRCh38, 1-based): chr6:157,198,830, C>T. VCF-style: chr6-157198830-C-T. GRCh37 (hg19) VCF-style: chr6-157519964-C-T.
Other names: c.1903C>T, p.Gln635Ter (NM_001363725.2); c.4282C>T, p.Gln1428Ter (NM_001371656.1, NM_001374820.1); c.4243C>T, p.Gln1415Ter (NM_017519.3); c.4033C>T (NM_020732.3); short protein forms Q1415*, Q1428*, Q1468*, Q635*.
Identifiers: ClinVar variation 3342839 (VCV003342839.1).
Genomic context (GRCh38, chr6:157,198,830, plus strand): 5'-GCTTTTTCTCAGTTAAGTTTTCTTTGAATGCCTCATTCCAGGCATGAACCTTATGGGCAG[C>T]AGTATCCAGGCCAAGGCCCTCCCTCGGGACAGCCGCCGTATGGAGGGCACCAGCCCGGCC-3'

ClinVar aggregate classification (germline): Pathogenic (1 of 4 stars; one submission).

Submission:

GeneDx
Classification: Pathogenic. Last evaluated: 2024-03-20. Review status: criteria provided, single submitter. Criteria: GeneDx Variant Classification Process June 2021. Collection method: clinical testing. Allele origin: germline. Affected: yes.
Comment: Nonsense variant predicted to result in protein truncation or nonsense mediated decay in a gene for which loss of function is a known mechanism of disease; Not observed at significant frequency in large population cohorts (gnomAD); This variant is associated with the following publications: (PMID: 35879281)